The following is an entry in ClinVar:

ClinVar aggregate classification (germline): Conflicting classifications of pathogenicity. Review status: criteria provided, conflicting classifications (1 of 4 stars). 2 submissions from 2 submitters: Uncertain significance (1); Likely benign (1). Last evaluated 2025-05-02.

Conditions:
Neurodegeneration with brain iron accumulation 5 (NBIA5). Also called: Beta-propeller protein-associated neurodegeneration; STATIC ENCEPHALOPATHY OF CHILDHOOD WITH NEURODEGENERATION IN ADULTHOOD. Identifiers: Orphanet 329284, MedGen C3550973, MONDO:0010476, OMIM 300894.

Submissions (2):

GeneDx
Classification: Uncertain significance. Last evaluated: 2025-05-02. Review status: criteria provided, single submitter. Criteria: GeneDx Variant Classification Process June 2021. Collection method: clinical testing. Allele origin: germline.
Comment: Not observed at significant frequency in large population cohorts (gnomAD); In silico analysis supports that this missense variant has a deleterious effect on protein structure/function; Has not been previously published as pathogenic or benign to our knowledge

Labcorp Genetics (formerly Invitae), Labcorp
Classification: Likely benign for Neurodegeneration with brain iron accumulation 5. Last evaluated: 2024-10-23. Review status: criteria provided, single submitter. Criteria: Invitae Variant Classification Sherloc (09022015). Collection method: clinical testing. Allele origin: germline.

NM_001029896.2(WDR45):c.1051T>C (p.Tyr351His)

Gene: WDR45 (WD repeat domain 45; minus strand). Cytogenetic location: Xp11.23.
Variant type: single nucleotide variant.
Coding change: c.1051T>C on transcript NM_001029896.2 (MANE Select); coding-DNA position 1051, T replaced by C.
Protein change: p.Tyr351His; replaces tyrosine 351 with histidine.
Molecular consequence: missense variant.
Genome position (GRCh38, 1-based): chrX:49,074,835, A>G on the plus strand (T>C on the coding strand, the complement: WDR45 is on the minus strand). VCF-style: chrX-49074835-A-G. GRCh37 (hg19) VCF-style: chrX-48932494-A-G.
Other names: c.1054T>C, p.Tyr352His (NM_007075.4); c.1054T>C (NM_007075.3); short protein forms Y351H, Y352H.
Identifiers: ClinVar variation 1503754 (VCV001503754.10), dbSNP rs2147814409, ClinGen allele CA412941200.